The following is an entry in ClinVar:

NM_006922.4(SCN3A):c.2066A>C (p.Tyr689Ser)

Gene: SCN3A (sodium voltage-gated channel alpha subunit 3; minus strand). Cytogenetic location: 2q24.3.
Variant type: single nucleotide variant.
Coding change: c.2066A>C on transcript NM_006922.4 (MANE Select); coding-DNA position 2066, A replaced by C.
Protein change: p.Tyr689Ser; replaces tyrosine 689 with serine.
Molecular consequence: missense variant.
Genome position (GRCh38, 1-based): chr2:165,139,562, T>G on the plus strand (A>C on the coding strand, the complement: SCN3A is on the minus strand). VCF-style: chr2-165139562-T-G. GRCh37 (hg19) VCF-style: chr2-165996072-T-G.
Other names: c.1919A>C, p.Tyr640Ser (NM_001081676.2, NM_001081677.2); short protein forms Y640S, Y689S.
Identifiers: ClinVar variation 2580608 (VCV002580608.1), dbSNP rs745974855, ClinGen allele CA1939024.

ClinVar aggregate classification (germline): Uncertain significance (1 of 4 stars; one submission).

Allele frequency attached by ClinVar (database versions not stated): gnomAD exomes below 0.00001; ExAC 0.00001.
gnomAD v4.1: 1 of 1,613,942 alleles (0.000062%); highest among the groups gnomAD compares: East Asian, 0.0022%; no homozygotes.

Submission:

GeneDx
Classification: Uncertain significance. Last evaluated: 2023-03-22. Review status: criteria provided, single submitter. Criteria: GeneDx Variant Classification Process June 2021. Collection method: clinical testing. Allele origin: germline. Affected: yes.
Comment: Not observed at significant frequency in large population cohorts (gnomAD); In silico analysis supports that this missense variant has a deleterious effect on protein structure/function; Has not been previously published as pathogenic or benign to our knowledge